The following is an entry in ClinVar:

NM_001127222.2(CACNA1A):c.4089+137T>A

Gene: CACNA1A (calcium voltage-gated channel subunit alpha1 A; minus strand). Cytogenetic location: 19p13.13.
Variant type: single nucleotide variant.
Coding change: c.4089+137T>A on transcript NM_001127222.2 (MANE Select); 137 bases into the intron after coding-DNA position 4089, T replaced by A.
Molecular consequence: intron variant.
Genome position (GRCh38, 1-based): chr19:13,262,597, A>T on the plus strand (T>A on the coding strand, the complement: CACNA1A is on the minus strand). VCF-style: chr19-13262597-A-T. GRCh37 (hg19) VCF-style: chr19-13373411-A-T.
Other names: c.4092+137T>A (NM_001127221.2, NM_001174080.2); c.4101+137T>A (NM_000068.4, NM_023035.3).
Identifiers: ClinVar variation 677482 (VCV000677482.1), dbSNP rs62108601, ClinGen allele CA305546470.
Genomic context (GRCh38, chr19:13,262,597, plus strand): 5'-CACAGATTATTTTAGGTCAGCTCACTTTACTGCCATCTGCTGGGAAGTTGTAATAATACA[A>T]ATATCCATACACGATGGCTAGGATGTTATCAGCACCTCCTTTAATGTGTTGTCCTTGAGC-3'

ClinVar aggregate classification (germline): Likely benign (1 of 4 stars; one submission).

Allele frequency attached by ClinVar (database versions not stated): 1000 Genomes Project 30x 0.00796; 1000 Genomes Project 0.00859; gnomAD 0.01303 and 0.01307; TOPMed 0.01334.
gnomAD v4.1: 10,410 of 638,878 alleles (1.6%); highest among the groups gnomAD compares: Middle Eastern, 3.7%; 134 homozygotes.

Submission:

GeneDx
Classification: Likely benign. Last evaluated: 2018-06-14. Review status: criteria provided, single submitter. Criteria: GeneDx Variant Classification (06012015). Collection method: clinical testing. Allele origin: germline. Affected: yes.
Comment: This variant is considered likely benign or benign based on one or more of the following criteria: it is a conservative change, it occurs at a poorly conserved position in the protein, it is predicted to be benign by multiple in silico algorithms, and/or has population frequency not consistent with disease.